The following is an entry in ClinVar:

NM_198428.3(BBS9):c.2566G>T (p.Val856Leu)

Gene: BBS9 (Bardet-Biedl syndrome 9; plus strand). Cytogenetic location: 7p14.3.
Variant type: single nucleotide variant.
Coding change: c.2566G>T on transcript NM_198428.3 (MANE Select); coding-DNA position 2566, G replaced by T.
Protein change: p.Val856Leu; replaces valine 856 with leucine.
Molecular consequence: missense variant. On other transcripts: non-coding transcript variant (3), intron variant (1).
Genome position (GRCh38, 1-based): chr7:33,604,909, G>T. VCF-style: chr7-33604909-G-T. GRCh37 (hg19) VCF-style: chr7-33644521-G-T.
Other names: c.2522-30268G>T (NM_001362679.1); c.2446G>T, p.Val816Leu (NM_001348040.3, NM_014451.4); c.2566G>T, p.Val856Leu (NM_001348041.4, NM_001348036.1, NM_001348043.3); c.2431G>T, p.Val811Leu (NM_001348042.3); c.2551G>T, p.Val851Leu (NM_001033605.2); c.2017G>T, p.Val673Leu (NM_001348037.3); c.2293G>T, p.Val765Leu (NM_001348038.3); c.2188G>T, p.Val730Leu (NM_001348039.3); and 4 more; short protein forms V673L, V699L, V730L, V734L, V765L, V811L, V816L, V821L.
Identifiers: ClinVar variation 1053001 (VCV001053001.10), dbSNP rs764122627, ClinGen allele CA4214738.

ClinVar aggregate classification (germline): Uncertain significance. Review status: criteria provided, multiple submitters, no conflicts (2 of 4 stars). 3 submissions from 3 submitters: Uncertain significance (3). Last evaluated 2024-10-29.

Conditions:
Inborn genetic diseases. Identifiers: MedGen C0950123, MeSH D030342.
Bardet-Biedl syndrome (BBS). Identifiers: Orphanet 110, MedGen C0752166, MONDO:0015229.
Bardet-Biedl syndrome 9 (BBS9). Identifiers: Orphanet 110, MedGen C1859567, MONDO:0014437, OMIM 615986.

Allele frequency attached by ClinVar (database versions not stated): gnomAD 0.00001 and 0.00002; TOPMed 0.00001; gnomAD exomes 0.00002; ExAC 0.00003.
gnomAD v4.1: 11 of 1,613,768 alleles (0.00068%); highest among the groups gnomAD compares: East Asian, 0.022%; no homozygotes.

Submissions (3):

Labcorp Genetics (formerly Invitae), Labcorp
Classification: Uncertain significance for Bardet-Biedl syndrome. Last evaluated: 2024-10-29. Review status: criteria provided, single submitter. Criteria: Invitae Variant Classification Sherloc (09022015). Collection method: clinical testing. Allele origin: germline.
Comment: This sequence change replaces valine, which is neutral and non-polar, with leucine, which is neutral and non-polar, at codon 856 of the BBS9 protein (p.Val856Leu). This variant is present in population databases (rs764122627, gnomAD 0.04%). This variant has not been reported in the literature in individuals affected with BBS9-related conditions. ClinVar contains an entry for this variant (Variation ID: 1053001). An algorithm developed to predict the effect of missense changes on protein structure and function outputs the following: PolyPhen-2: "Benign". The leucine amino acid residue is found in multiple mammalian species, which suggests that this missense change does not adversely affect protein function. In summary, the available evidence is currently insufficient to determine the role of this variant in disease. Therefore, it has been classified as a Variant of Uncertain Significance.

Fulgent Genetics
Classification: Uncertain significance for Bardet-Biedl syndrome 9. Last evaluated: 2024-01-08. Review status: criteria provided, single submitter. Criteria: ACMG Guidelines, 2015. Collection method: clinical testing. Allele origin: germline.

Ambry Genetics
Classification: Uncertain significance for Inborn genetic diseases. Last evaluated: 2023-05-03. Review status: criteria provided, single submitter. Criteria: Ambry Variant Classification Scheme 2023. Collection method: clinical testing. Allele origin: germline.